The following is an entry in ClinVar:

ClinVar aggregate classification (germline): Likely pathogenic (1 of 4 stars; one submission).

Allele frequency attached by ClinVar (database versions not stated): gnomAD exomes below 0.00001; TOPMed below 0.00001.
gnomAD v4.1: 5 of 1,478,668 alleles (0.00034%); highest among the groups gnomAD compares: Non-Finnish European, 0.00046%; no homozygotes.

Submission:

Labcorp Genetics (formerly Invitae), Labcorp
Classification: Likely pathogenic. Last evaluated: 2023-02-03. Review status: criteria provided, single submitter. Criteria: Invitae Variant Classification Sherloc (09022015). Collection method: clinical testing. Allele origin: germline.
Comment: In summary, the currently available evidence indicates that the variant is pathogenic, but additional data are needed to prove that conclusively. Therefore, this variant has been classified as Likely Pathogenic. Algorithms developed to predict the effect of sequence changes on RNA splicing suggest that this variant may disrupt the consensus splice site. Disruption of this splice site has been observed in individual(s) with retinitis pigmentosa (PMID: 26766544, 32531858). This variant is not present in population databases (gnomAD no frequency). This sequence change affects a donor splice site in intron 28 of the EYS gene. It is expected to disrupt RNA splicing. Variants that disrupt the donor or acceptor splice site typically lead to a loss of protein function (PMID: 16199547), and loss-of-function variants in EYS are known to be pathogenic (PMID: 18836446, 20333770).

Literature cited by the submitters: PubMed 26766544; PubMed 32531858; PubMed 16199547; PubMed 18836446; PubMed 20333770.

NM_001142800.2(EYS):c.5927+1G>A

Gene: EYS (EGF-like photoreceptor maintenance factor; minus strand). Cytogenetic location: 6q12.
Variant type: single nucleotide variant.
Coding change: c.5927+1G>A on transcript NM_001142800.2 (MANE Select); the canonical splice donor site of the intron after coding-DNA position 5927, G replaced by A.
Molecular consequence: splice donor variant.
Genome position (GRCh38, 1-based): chr6:64,436,173, C>T on the plus strand (G>A on the coding strand, the complement: EYS is on the minus strand). VCF-style: chr6-64436173-C-T. GRCh37 (hg19) VCF-style: chr6-65146066-C-T.
Other names: c.5927+1G>A (NM_001292009.2).
Identifiers: ClinVar variation 2834105 (VCV002834105.3), dbSNP rs1444115520, ClinGen allele CA364392268.
Genomic context (GRCh38, chr6:64,436,173, plus strand): 5'-ATTGTTAGGGATAGCCTTTGCTACTTAATGAGATTAACTGGAAAAGAAATAATTATCTTA[C>T]CTGATAAGCAGTGTATACTTTTGCCCGTTGTCCACTCTAACAGTAGTATTAATGCTTTTA-3'